The following is an entry in ClinVar:

NM_001851.6(COL9A1):c.1665+2T>C

Gene: COL9A1 (collagen type IX alpha 1 chain; minus strand). Cytogenetic location: 6q13.
Variant type: single nucleotide variant.
Coding change: c.1665+2T>C on transcript NM_001851.6 (MANE Select); the canonical splice donor site of the intron after coding-DNA position 1665, T replaced by C.
Molecular consequence: splice donor variant.
Genome position (GRCh38, 1-based): chr6:70,254,961, A>G on the plus strand (T>C on the coding strand, the complement: COL9A1 is on the minus strand). VCF-style: chr6-70254961-A-G. GRCh37 (hg19) VCF-style: chr6-70964664-A-G.
Other names: c.936+2T>C (NM_001377290.1, NM_078485.4, NM_001377289.1); c.1665+2T>C (NM_001851.4).
Identifiers: ClinVar variation 1496271 (VCV001496271.9), dbSNP rs759460647, ClinGen allele CA3882090.

ClinVar aggregate classification (germline): Likely pathogenic. Review status: criteria provided, multiple submitters, no conflicts (2 of 4 stars). 3 submissions from 3 submitters: Likely pathogenic (2). 1 of the submissions does not count toward it. Last evaluated 2026-04-06.

Conditions:
COL9A1-related disorder. Also called: COL9A1-related disorders; COL9A1-related condition.

Allele frequency attached by ClinVar (database versions not stated): gnomAD exomes below 0.00001; TOPMed below 0.00001; ExAC 0.00001; gnomAD 0.00001.
gnomAD v4.1: 6 of 1,613,946 alleles (0.00037%); highest among the groups gnomAD compares: African/African-American, 0.0013%; no homozygotes.

Submissions (3):

Dasa
Classification: Likely pathogenic. Last evaluated: 2026-04-06. Review status: criteria provided, single submitter. Criteria: DASA Assertion Criteria. Collection method: clinical testing. Allele origin: germline.
Comment: NM_001851.6(COL9A1):c.1665+2T>C affects a canonical splice site and is predicted to disrupt normal RNA splicing. Loss of function is an established disease mechanism for COL9A1-associated disorders. Also, this variant is rare in population databases. Based on the currently available evidence, this variant is classified as likely pathogenic.

Labcorp Genetics (formerly Invitae), Labcorp
Classification: Likely pathogenic. Last evaluated: 2023-03-10. Review status: criteria provided, single submitter. Criteria: Invitae Variant Classification Sherloc (09022015). Collection method: clinical testing. Allele origin: germline.
Comment: ClinVar contains an entry for this variant (Variation ID: 1496271). This sequence change affects a donor splice site in intron 24 of the COL9A1 gene. It is expected to disrupt RNA splicing. Variants that disrupt the donor or acceptor splice site typically lead to a loss of protein function (PMID: 16199547), and loss-of-function variants in COL9A1 are known to be pathogenic (PMID: 16909383, 21421862). This variant is present in population databases (rs759460647, gnomAD 0.0009%). This variant has not been reported in the literature in individuals affected with COL9A1-related conditions. Algorithms developed to predict the effect of sequence changes on RNA splicing suggest that this variant may disrupt the consensus splice site. In summary, the currently available evidence indicates that the variant is pathogenic, but additional data are needed to prove that conclusively. Therefore, this variant has been classified as Likely Pathogenic.

PreventionGenetics, part of Exact Sciences
Classification: Likely pathogenic for COL9A1-related condition. Last evaluated: 2024-06-04. Review status: no assertion criteria provided. Collection method: clinical testing. Allele origin: germline. Not counted in ClinVar's aggregate classification.
Comment: The COL9A1 c.1665+2T>C variant is predicted to disrupt the GT donor site and interfere with normal splicing. To our knowledge, this variant has not been reported in the literature. This variant is reported in 0.00088% of alleles in individuals of European (Non-Finnish) descent in gnomAD. Variants that disrupt the consensus splice donor site in COL9A1 are expected to be pathogenic. This variant is interpreted as likely pathogenic.

Literature cited by the submitters: PubMed 16199547 (cited by Labcorp Genetics (formerly Invitae), Labcorp); PubMed 16909383 (cited by Labcorp Genetics (formerly Invitae), Labcorp); PubMed 21421862 (cited by Labcorp Genetics (formerly Invitae), Labcorp).